The following is an entry in ClinVar:

ClinVar aggregate classification (germline): Uncertain significance (1 of 4 stars; one submission).

Allele frequency attached by ClinVar (database versions not stated): gnomAD exomes 0.00001.
gnomAD v4.1: 4 of 1,613,408 alleles (0.00025%); highest among the groups gnomAD compares: Non-Finnish European, 0.00034%; no homozygotes.

Submission:

Labcorp Genetics (formerly Invitae), Labcorp
Classification: Uncertain significance. Last evaluated: 2021-08-31. Review status: criteria provided, single submitter. Criteria: Invitae Variant Classification Sherloc (09022015). Collection method: clinical testing. Allele origin: germline.
Comment: This sequence change replaces asparagine with serine at codon 39 of the IL2RB protein (p.Asn39Ser). The asparagine residue is moderately conserved and there is a small physicochemical difference between asparagine and serine. This variant is not present in population databases (ExAC no frequency). This variant has not been reported in the literature in individuals affected with IL2RB-related conditions. Algorithms developed to predict the effect of missense changes on protein structure and function are either unavailable or do not agree on the potential impact of this missense change (SIFT: "Deleterious"; PolyPhen-2: "Possibly Damaging"; Align-GVGD: "Class C0"). Algorithms developed to predict the effect of sequence changes on RNA splicing suggest that this variant may create or strengthen a splice site. In summary, the available evidence is currently insufficient to determine the role of this variant in disease. Therefore, it has been classified as a Variant of Uncertain Significance.

NM_000878.5(IL2RB):c.116A>G (p.Asn39Ser)

Gene: IL2RB (interleukin 2 receptor subunit beta; minus strand). Cytogenetic location: 22q12.3.
Variant type: single nucleotide variant.
Coding change: c.116A>G on transcript NM_000878.5 (MANE Select); coding-DNA position 116, A replaced by G.
Protein change: p.Asn39Ser; replaces asparagine 39 with serine.
Molecular consequence: missense variant.
Genome position (GRCh38, 1-based): chr22:37,143,608, T>C on the plus strand (A>G on the coding strand, the complement: IL2RB is on the minus strand). VCF-style: chr22-37143608-T-C. GRCh37 (hg19) VCF-style: chr22-37539648-T-C.
Other names: c.116A>G, p.Asn39Ser (NM_001346222.1, NM_001346223.2); short protein forms N39S.
Identifiers: ClinVar variation 1450122 (VCV001450122.5), dbSNP rs2146244957, ClinGen allele CA411429612.